The following is an entry in ClinVar:

NM_003482.4(KMT2D):c.13268C>T (p.Pro4423Leu)

Gene: KMT2D (lysine methyltransferase 2D; minus strand). Cytogenetic location: 12q13.12.
Variant type: single nucleotide variant.
Coding change: c.13268C>T on transcript NM_003482.4 (MANE Select); coding-DNA position 13268, C replaced by T.
Protein change: p.Pro4423Leu; replaces proline 4423 with leucine.
Molecular consequence: missense variant.
Genome position (GRCh38, 1-based): chr12:49,031,437, G>A on the plus strand (C>T on the coding strand, the complement: KMT2D is on the minus strand). VCF-style: chr12-49031437-G-A. GRCh37 (hg19) VCF-style: chr12-49425220-G-A.
Other names: short protein forms P4423L.
Identifiers: ClinVar variation 3367734 (VCV003367734.2).

ClinVar aggregate classification (germline): Uncertain significance (1 of 4 stars; one submission).

Submission:

GeneDx
Classification: Uncertain significance. Last evaluated: 2026-10-11. Review status: criteria provided, single submitter. Criteria: GeneDx Variant Classification Process June 2021. Collection method: clinical testing. Allele origin: germline.
Comment: Not observed at significant frequency in large population cohorts (gnomAD); In silico analysis suggests that this missense variant does not alter protein structure/function; Has not been previously published as pathogenic or benign to our knowledge